The following is an entry in ClinVar:

ClinVar aggregate classification (germline): Uncertain significance (1 of 4 stars; one submission).

Conditions:
Developmental and epileptic encephalopathy, 53. Also called: Epileptic encephalopathy, early infantile, 53. Identifiers: MedGen C4479313, MONDO:0033362, OMIM 617389.
Early-onset Parkinson disease 20. Also called: PARKINSON DISEASE 20, AUTOSOMAL RECESSIVE EARLY-ONSET. Identifiers: Orphanet 391411, MedGen C3809824, MONDO:0014233, OMIM 615530.

Submission:

Labcorp Genetics (formerly Invitae), Labcorp
Classification: Uncertain significance for Developmental and epileptic encephalopathy, 53; Early-onset Parkinson disease 20. Last evaluated: 2022-06-30. Review status: criteria provided, single submitter. Criteria: Invitae Variant Classification Sherloc (09022015). Collection method: clinical testing. Allele origin: germline.
Comment: This variant has not been reported in the literature in individuals affected with SYNJ1-related conditions. In summary, the available evidence is currently insufficient to determine the role of this variant in disease. Therefore, it has been classified as a Variant of Uncertain Significance. Algorithms developed to predict the effect of missense changes on protein structure and function (SIFT, PolyPhen-2, Align-GVGD) all suggest that this variant is likely to be disruptive. This variant is not present in population databases (gnomAD no frequency). This sequence change replaces leucine, which is neutral and non-polar, with arginine, which is basic and polar, at codon 556 of the SYNJ1 protein (p.Leu556Arg).

NM_203446.3(SYNJ1):c.1550T>G (p.Leu517Arg)

Gene: SYNJ1 (synaptojanin 1; minus strand). Cytogenetic location: 21q22.11.
Variant type: single nucleotide variant.
Coding change: c.1550T>G on transcript NM_203446.3 (MANE Select); coding-DNA position 1550, T replaced by G.
Protein change: p.Leu517Arg; replaces leucine 517 with arginine.
Molecular consequence: missense variant.
Genome position (GRCh38, 1-based): chr21:32,673,516, A>C on the plus strand (T>G on the coding strand, the complement: SYNJ1 is on the minus strand). VCF-style: chr21-32673516-A-C. GRCh37 (hg19) VCF-style: chr21-34045826-A-C.
Other names: c.1550T>G, p.Leu517Arg (NM_001160302.2); c.1535T>G, p.Leu512Arg (NM_001160306.2); c.1667T>G, p.Leu556Arg (NM_003895.4); short protein forms L512R, L556R, L517R.
Identifiers: ClinVar variation 2012447 (VCV002012447.4), dbSNP rs2516653701, ClinGen allele CA410085788.
Genomic context (GRCh38, chr21:32,673,516, plus strand): 5'-ACACATACTCGAATTTTCTTAGGCTTTGAATATTTGTAGAAATTCTCACACATGCTCTTT[A>C]GTACTTTAGAAGATGCTAATCAAGAGAAGACACAATAGAATTTTAGCTGCATCAAACCAT-3'
Protein context (NP_982271.3, residues 507-527): QTLQSASSKV[Leu517Arg]KSMCENFYKY